The following is an entry in ClinVar:

NM_007294.4(BRCA1):c.1568T>G (p.Leu523Trp)

Gene: BRCA1 (BRCA1 DNA repair associated; minus strand). Cytogenetic location: 17q21.31.
Variant type: single nucleotide variant.
Coding change: c.1568T>G on transcript NM_007294.4 (MANE Select); coding-DNA position 1568, T replaced by G.
Protein change: p.Leu523Trp; replaces leucine 523 with tryptophan.
Molecular consequence: missense variant. On other transcripts: intron variant (137).
Genome position (GRCh38, 1-based): chr17:43,093,963, A>C on the plus strand (T>G on the coding strand, the complement: BRCA1 is on the minus strand). VCF-style: chr17-43093963-A-C. GRCh37 (hg19) VCF-style: chr17-41245980-A-C.
Other names: c.1442T>G, p.Leu481Trp (NM_001407688.1, NM_001407689.1, NM_001407690.1 and 11 more transcripts); c.1427T>G, p.Leu476Trp (NM_001407692.1, NM_001407694.1, NM_001407695.1 and 29 more transcripts); c.1424T>G, p.Leu475Trp (NM_001407740.1, NM_001407741.1, NM_001407742.1 and 20 more transcripts); c.1355T>G, p.Leu452Trp (NM_001407853.1, NM_001407894.1, NM_001407895.1 and 9 more transcripts); c.1568T>G, p.Leu523Trp (NM_001407854.1, NM_001407858.1, NM_001407859.1 and 30 more transcripts); c.1565T>G, p.Leu522Trp (NM_001407860.1, NM_001407861.1, NM_001407587.1 and 22 more transcripts); c.1367T>G, p.Leu456Trp (NM_001407862.1); c.1445T>G, p.Leu482Trp (NM_001407863.1, NM_001407919.1, NM_001407937.1 and 19 more transcripts); and 40 more; short protein forms L523W, L476W, L396W, L482W, L496W, L520W, L227W, L395W.
Identifiers: ClinVar variation 54295 (VCV000054295.30), dbSNP rs397508885, ClinGen allele CA001049.

ClinVar aggregate classification (germline): Conflicting classifications of pathogenicity. Review status: criteria provided, conflicting classifications (1 of 4 stars). 8 submissions from 8 submitters: Uncertain significance (6); Likely benign (2). Last evaluated 2025-12-04.

Conditions:
Hereditary cancer-predisposing syndrome. Also called: Tumor predisposition; Neoplastic Syndromes, Hereditary; Hereditary Cancer Syndrome; Hereditary neoplastic syndrome. Identifiers: Orphanet 140162, MedGen C0027672, MeSH D009386, MONDO:0015356.
Hereditary breast ovarian cancer syndrome. Also called: Hereditary breast and ovarian cancer syndrome (HBOC); Hereditary breast and ovarian cancer syndrome; Hereditary breast and ovarian cancer; Hereditary breast and/or ovarian cancer syndrome; Breast and ovarian cancer; BRCA1- and BRCA2-Associated Hereditary Breast and Ovarian Cancer. Identifiers: Orphanet 145, MedGen C0677776, MeSH D061325, MONDO:0003582. Disease mechanism: loss of function.
Breast-ovarian cancer, familial, susceptibility to, 1 (BROVCA1). Also called: OVARIAN CANCER, SUSCEPTIBILITY TO; BRCA1 Hereditary Breast and Ovarian Cancer. Identifiers: Orphanet 145, MedGen C2676676, MONDO:0011450, OMIM 604370. Disease mechanism: loss of function.

Allele frequency attached by ClinVar (database versions not stated): gnomAD exomes below 0.00001.

Submissions (8):

Ambry Genetics
Classification: Uncertain significance for Hereditary cancer-predisposing syndrome. Last evaluated: 2025-12-04. Review status: criteria provided, single submitter. Criteria: Ambry Variant Classification Scheme 2023. Collection method: clinical testing. Allele origin: germline.
Comment: The p.L523W variant (also known as c.1568T>G), located in coding exon 9 of the BRCA1 gene, results from a T to G substitution at nucleotide position 1568. The leucine at codon 523 is replaced by tryptophan, an amino acid with similar properties. This alteration has been described as a novel alteration of unknown significance in a familial breast cancer cohort (Frost et al. Dis Markers. 2005;21(1):29-36). This amino acid position is well conserved in available vertebrate species. In addition, this alteration is predicted to be deleterious by in silico analysis. Since supporting evidence is limited at this time, the clinical significance of this alteration remains unclear.

Women's Health and Genetics/Laboratory Corporation of America, LabCorp
Classification: Uncertain significance. Last evaluated: 2025-08-11. Review status: criteria provided, single submitter. Criteria: LabCorp Variant Classification Summary - May 2015. Collection method: clinical testing. Allele origin: germline.
Comment: Variant summary: BRCA1 c.1568T>G (p.Leu523Trp) results in a non-conservative amino acid change in the encoded protein sequence. Algorithms developed to predict the effect of missense changes on protein structure and function are either unavailable or do not agree on the potential impact of this missense change. The variant was absent in 250492 control chromosomes. The available data on variant occurrences in the general population are insufficient to allow any conclusion about variant significance. c.1568T>G has been reported in the literature in an individual(s) affected with breast cancer without strong evidence of causality (e.g. Frost_2005). These report(s) do not provide unequivocal conclusions about association of the variant with Hereditary Breast And Ovarian Cancer Syndrome. To our knowledge, no experimental evidence demonstrating an impact on protein function has been reported. The following publications have been ascertained in the context of this evaluation (PMID: 15735322, 34981296, 37937776). ClinVar contains an entry for this variant (Variation ID: 54295). Based on the evidence outlined above, the variant was classified as uncertain significance.

Labcorp Genetics (formerly Invitae), Labcorp
Classification: Uncertain significance for Hereditary breast ovarian cancer syndrome. Last evaluated: 2025-02-16. Review status: criteria provided, single submitter. Criteria: Invitae Variant Classification Sherloc (09022015). Collection method: clinical testing. Allele origin: germline.
Comment: This sequence change replaces leucine, which is neutral and non-polar, with tryptophan, which is neutral and slightly polar, at codon 523 of the BRCA1 protein (p.Leu523Trp). This variant is not present in population databases (gnomAD no frequency). This missense change has been observed in individual(s) with breast cancer and/or suspected hereditary breast and ovarian cancer (PMID: 15735322, 34981296). This variant is also known as 1687T>G. ClinVar contains an entry for this variant (Variation ID: 54295). Invitae Evidence Modeling of protein sequence and biophysical properties (such as structural, functional, and spatial information, amino acid conservation, physicochemical variation, residue mobility, and thermodynamic stability) indicates that this missense variant is expected to disrupt BRCA1 protein function with a positive predictive value of 80%. In summary, the available evidence is currently insufficient to determine the role of this variant in disease. Therefore, it has been classified as a Variant of Uncertain Significance.

Institute for Biomarker Research, Medical Diagnostic Laboratories, L.L.C.
Classification: Uncertain significance for Hereditary breast ovarian cancer syndrome. Last evaluated: 2023-10-03. Review status: criteria provided, single submitter. Criteria: ACMG Guidelines, 2015. Collection method: clinical testing. Allele origin: germline.

Myriad Genetics, Inc.
Classification: Likely benign for Breast-ovarian cancer, familial, susceptibility to, 1. Last evaluated: 2023-08-17. Review status: criteria provided, single submitter. Criteria: Myriad Autosomal Dominant, Autosomal Recessive and X-Linked Classification Criteria (2023). Collection method: clinical testing. Allele origin: unknown.
Comment: This variant is considered likely benign. This variant is strongly associated with less severe personal and family histories of cancer, typical for individuals without pathogenic variants in this gene [PMID: 25085752].

Color Diagnostics, LLC DBA Color Health
Classification: Uncertain significance for Hereditary cancer-predisposing syndrome. Last evaluated: 2023-06-22. Review status: criteria provided, single submitter. Criteria: ACMG Guidelines, 2015. Collection method: clinical testing. Allele origin: germline.
Comment: This missense variant replaces leucine with tryptophan at codon 523 of the BRCA1 protein. Computational prediction is inconclusive regarding the impact of this variant on protein structure and function (internally defined REVEL score threshold 0.5 < inconclusive < 0.7, PMID: 27666373). To our knowledge, functional studies have not been reported for this variant. This variant has been reported in an individual affected with breast cancer in the literature (PMID: 15735322). This variant has not been identified in the general population by the Genome Aggregation Database (gnomAD). The available evidence is insufficient to determine the role of this variant in disease conclusively. Therefore, this variant is classified as a Variant of Uncertain Significance.

University of Washington Department of Laboratory Medicine, University of Washington
Classification: Likely benign for Hereditary cancer-predisposing syndrome. Last evaluated: 2023-03-23. Review status: criteria provided, single submitter. Criteria: Dines et al. (Genet Med. 2020). Collection method: curation. Allele origin: germline.
Comment: Missense variant in a coldspot region where missense variants are very unlikely to be pathogenic (PMID:31911673).

BRCA1 coldspot (exon 11 using historical exon numbering). Reclassification based on statistical prior probability

GeneDx
Classification: Uncertain significance. Last evaluated: 2019-08-09. Review status: criteria provided, single submitter. Criteria: GeneDx Variant Classification Process June 2021. Collection method: clinical testing. Allele origin: germline. Affected: yes.
Comment: Observed in one or more individuals with a personal history of breast cancer (Frost 2005); Not observed in large population cohorts (Lek 2016); In silico analysis, which includes protein predictors and evolutionary conservation, supports a deleterious effect; Also known as BRCA1 1687T>G; This variant is associated with the following publications: (PMID: 15735322)

Literature cited by the submitters: PubMed 15735322 (cited by 3 submitters); PubMed 34981296 (cited by Women's Health and Genetics/Laboratory Corporation of America, LabCorp and Labcorp Genetics (formerly Invitae), Labcorp); PubMed 37937776 (cited by Women's Health and Genetics/Laboratory Corporation of America, LabCorp); PubMed 25085752 (cited by Myriad Genetics, Inc.).